The following is an entry in ClinVar:

NM_201384.3(PLEC):c.8763G>A (p.Thr2921=)

Gene: PLEC (plectin; minus strand). Cytogenetic location: 8q24.3.
Variant type: single nucleotide variant.
Coding change: c.8763G>A on transcript NM_201384.3 (MANE Select); coding-DNA position 8763, G replaced by A.
Protein change: p.Thr2921=; no amino-acid change (threonine 2921 retained).
Molecular consequence: synonymous variant.
Genome position (GRCh38, 1-based): chr8:143,921,058, C>T on the plus strand (G>A on the coding strand, the complement: PLEC is on the minus strand). VCF-style: chr8-143921058-C-T. GRCh37 (hg19) VCF-style: chr8-144995226-C-T.
Other names: c.8844G>A, p.Thr2948= (NM_000445.5); c.8721G>A, p.Thr2907= (NM_201378.4); c.8697G>A, p.Thr2899= (NM_201379.3); c.9174G>A, p.Thr3058= (NM_201380.4); c.8667G>A, p.Thr2889= (NM_201381.3); c.8763G>A, p.Thr2921= (NM_201382.4); c.8775G>A, p.Thr2925= (NM_201383.3).
Identifiers: ClinVar variation 704254 (VCV000704254.17), dbSNP rs377001239, ClinGen allele CA4925192.

ClinVar aggregate classification (germline): Conflicting classifications of pathogenicity. Review status: criteria provided, conflicting classifications (1 of 4 stars). 5 submissions from 5 submitters: Uncertain significance (1); Likely benign (4). Last evaluated 2026-01-26.

Conditions:
PLEC-related disorder. Also called: PLEC-related disorders; PLEC-related condition.
Epidermolysis bullosa simplex with nail dystrophy (EBS5D). Identifiers: MedGen C4225309, MONDO:0014661, OMIM 616487.
Epidermolysis bullosa simplex 5B, with muscular dystrophy (EBS5B). Also called: Epidermolysis bullosa simplex with muscular dystrophy; EPIDERMOLYSIS BULLOSA SIMPLEX AND LIMB-GIRDLE MUSCULAR DYSTROPHY. Identifiers: Orphanet 257, MedGen C2931072, MONDO:0009181, OMIM 226670.
Autosomal recessive limb-girdle muscular dystrophy type 2Q (LGMDR17). Also called: MUSCULAR DYSTROPHY, LIMB-GIRDLE, AUTOSOMAL RECESSIVE 17. Identifiers: Orphanet 254361, MedGen C3150989, MONDO:0013390, OMIM 613723.
Epidermolysis bullosa simplex 5C, with pyloric atresia (EBS5C). Also called: PLEC-Related Epidermolysis Bullosa with Pyloric Atresia; Epidermolysis bullosa simplex with pyloric atresia; PLEC1-Related Epidermolysis Bullosa with Pyloric Atresia. Identifiers: Orphanet 158684, MedGen C2677349, MONDO:0012807, OMIM 612138.
Epidermolysis bullosa simplex, Ogna type (EBS5A). Also called: Pidermolysis bullosa simplex 5A, Ogna type; EPIDERMOLYSIS BULLOSA SIMPLEX 5A, OGNA TYPE. Identifiers: Orphanet 79401, MedGen C0432317, MONDO:0007555, OMIM 131950.

Allele frequency attached by ClinVar (database versions not stated): gnomAD exomes 0.00013 and 0.00014; ExAC 0.00016; ESP Exome Variant Server 0.00031; gnomAD 0.00048 and 0.00051; TOPMed 0.00048; 1000 Genomes Project 0.00060; 1000 Genomes Project 30x 0.00062.
gnomAD v4.1: 274 of 1,612,130 alleles (0.017%); highest among the groups gnomAD compares: African/African-American, 0.15%; no homozygotes.

Submissions (5):

Labcorp Genetics (formerly Invitae), Labcorp
Classification: Likely benign for Autosomal recessive limb-girdle muscular dystrophy type 2Q; Epidermolysis bullosa simplex, Ogna type; Epidermolysis bullosa simplex with nail dystrophy; Epidermolysis bullosa simplex 5C, with pyloric atresia; Epidermolysis bullosa simplex 5B, with muscular dystrophy. Last evaluated: 2026-01-26. Review status: criteria provided, single submitter. Criteria: Invitae Variant Classification Sherloc (09022015). Collection method: clinical testing. Allele origin: germline.

PreventionGenetics, part of Exact Sciences
Classification: Likely benign for PLEC-related condition. Last evaluated: 2025-02-28. Review status: criteria provided, single submitter. Criteria: ACMG Guidelines, 2015. Collection method: clinical testing. Allele origin: germline.
Comment: This variant is classified as likely benign based on ACMG/AMP sequence variant interpretation guidelines (Richards et al. 2015 PMID: 25741868, with internal and published modifications).

Blueprint Genetics
Classification: Likely benign. Last evaluated: 2024-06-24. Review status: criteria provided, single submitter. Criteria: ACMG Guidelines, 2015. Collection method: clinical testing. Allele origin: germline.

GeneDx
Classification: Likely benign. Last evaluated: 2021-03-10. Review status: criteria provided, single submitter. Criteria: GeneDx Variant Classification Process June 2021. Collection method: clinical testing. Allele origin: germline. Affected: yes.

Revvity Omics, Revvity
Classification: Uncertain significance. Last evaluated: 2019-03-13. Review status: criteria provided, single submitter. Criteria: ACMG Guidelines, 2015. Collection method: clinical testing. Allele origin: germline.